The following is an entry in ClinVar:

NM_001447.3(FAT2):c.2902G>A (p.Ala968Thr)

Gene: FAT2 (FAT atypical cadherin 2; minus strand). Cytogenetic location: 5q33.1.
Variant type: single nucleotide variant.
Coding change: c.2902G>A on transcript NM_001447.3 (MANE Select); coding-DNA position 2902, G replaced by A.
Protein change: p.Ala968Thr; replaces alanine 968 with threonine.
Molecular consequence: missense variant.
Genome position (GRCh38, 1-based): chr5:151,566,030, C>T on the plus strand (G>A on the coding strand, the complement: FAT2 is on the minus strand). VCF-style: chr5-151566030-C-T. GRCh37 (hg19) VCF-style: chr5-150945591-C-T.
Other names: short protein forms A968T.
Identifiers: ClinVar variation 2963753 (VCV002963753.3), dbSNP rs149531804, ClinGen allele CA3521968.

ClinVar aggregate classification (germline): Uncertain significance (1 of 4 stars; one submission).

Allele frequency attached by ClinVar (database versions not stated): ExAC 0.00002; gnomAD 0.00004; TOPMed 0.00006; ESP Exome Variant Server 0.00015.
gnomAD v4.1: 97 of 1,613,996 alleles (0.006%); highest among the groups gnomAD compares: African/African-American, 0.015%; no homozygotes.

Submission:

Labcorp Genetics (formerly Invitae), Labcorp
Classification: Uncertain significance. Last evaluated: 2023-05-30. Review status: criteria provided, single submitter. Criteria: Invitae Variant Classification Sherloc (09022015). Collection method: clinical testing. Allele origin: germline.
Comment: This sequence change replaces alanine, which is neutral and non-polar, with threonine, which is neutral and polar, at codon 968 of the FAT2 protein (p.Ala968Thr). This variant is present in population databases (rs149531804, gnomAD 0.01%). This variant has not been reported in the literature in individuals affected with FAT2-related conditions. An algorithm developed to predict the effect of missense changes on protein structure and function (PolyPhen-2) suggests that this variant is likely to be tolerated. In summary, the available evidence is currently insufficient to determine the role of this variant in disease. Therefore, it has been classified as a Variant of Uncertain Significance.